The following is an entry in ClinVar:

NM_002878.4(RAD51D):c.264-7C>T

Genes: RAD51L3-RFFL (RAD51L3-RFFL readthrough; minus strand), RAD51D (RAD51 paralog D; minus strand). Cytogenetic location: 17q12.
Variant type: single nucleotide variant.
Coding change: c.264-7C>T on transcript NM_002878.4 (MANE Select); 7 bases into the intron before coding-DNA position 264, C replaced by T.
Molecular consequence: intron variant.
Genome position (GRCh38, 1-based): chr17:35,107,454, G>A on the plus strand (C>T on the coding strand, the complement: RAD51D is on the minus strand). VCF-style: chr17-35107454-G-A. GRCh37 (hg19) VCF-style: chr17-33434473-G-A.
Other names: c.145-973C>T (NM_133629.3); c.324-7C>T (NM_001142571.2).
Identifiers: ClinVar variation 492421 (VCV000492421.22), dbSNP rs753529790, ClinGen allele CA8499528.

ClinVar aggregate classification (germline): Likely benign. Review status: criteria provided, multiple submitters, no conflicts (2 of 4 stars). 6 submissions from 6 submitters: Likely benign (6). Last evaluated 2026-01-05.

Conditions:
Breast-ovarian cancer, familial, susceptibility to, 4. Identifiers: Orphanet 145, MedGen C3280345, MONDO:0013669, OMIM 614291.
Hereditary cancer-predisposing syndrome. Also called: Hereditary neoplastic syndrome; Tumor predisposition; Hereditary Cancer Syndrome; Neoplastic Syndromes, Hereditary. Identifiers: Orphanet 140162, MedGen C0027672, MeSH D009386, MONDO:0015356.

Allele frequency attached by ClinVar (database versions not stated): gnomAD exomes 0.00001; ExAC 0.00002; gnomAD 0.00003 and 0.00004; TOPMed 0.00004.
gnomAD v4.1: 9 of 1,531,714 alleles (0.00059%); highest among the groups gnomAD compares: African/African-American, 0.012%; no homozygotes.

Submissions (6):

Labcorp Genetics (formerly Invitae), Labcorp
Classification: Likely benign for Breast-ovarian cancer, familial, susceptibility to, 4. Last evaluated: 2026-01-05. Review status: criteria provided, single submitter. Criteria: Invitae Variant Classification Sherloc (09022015). Collection method: clinical testing. Allele origin: germline.

Quest Diagnostics Nichols Institute San Juan Capistrano
Classification: Likely benign. Last evaluated: 2025-10-22. Review status: criteria provided, single submitter. Criteria: Quest Diagnostics criteria. Collection method: clinical testing. Allele origin: unknown.

Women's Health and Genetics/Laboratory Corporation of America, LabCorp
Classification: Likely benign. Last evaluated: 2025-04-29. Review status: criteria provided, single submitter. Criteria: LabCorp Variant Classification Summary - May 2015. Collection method: clinical testing. Allele origin: germline.

Myriad Genetics, Inc.
Classification: Likely benign for Breast-ovarian cancer, familial, susceptibility to, 4. Last evaluated: 2025-02-20. Review status: criteria provided, single submitter. Criteria: Myriad Autosomal Dominant, Autosomal Recessive and X-Linked Classification Criteria (2023). Collection method: clinical testing. Allele origin: unknown.
Comment: This variant is considered likely benign. This variant is intronic and is not expected to impact mRNA splicing.

GeneDx
Classification: Likely benign. Last evaluated: 2019-08-19. Review status: criteria provided, single submitter. Criteria: GeneDx Variant Classification Process June 2021. Collection method: clinical testing. Allele origin: germline. Affected: yes.

Color Diagnostics, LLC DBA Color Health
Classification: Likely benign for Hereditary cancer-predisposing syndrome. Last evaluated: 2016-10-17. Review status: criteria provided, single submitter. Criteria: ACMG Guidelines, 2015. Collection method: clinical testing. Allele origin: germline.